The following is an entry in ClinVar:

NM_014921.5(ADGRL1):c.2739G>T (p.Gln913His)

Genes: ADGRL1 (adhesion G protein-coupled receptor L1; minus strand), ADGRL1-AS1 (ADGRL1 antisense RNA 1; plus strand). Cytogenetic location: 19p13.12.
Variant type: single nucleotide variant.
Coding change: c.2739G>T on transcript NM_014921.5 (MANE Select); coding-DNA position 2739, G replaced by T.
Protein change: p.Gln913His; replaces glutamine 913 with histidine.
Molecular consequence: missense variant.
Genome position (GRCh38, 1-based): chr19:14,157,257, C>A on the plus strand (G>T on the coding strand, the complement: ADGRL1 is on the minus strand). VCF-style: chr19-14157257-C-A. GRCh37 (hg19) VCF-style: chr19-14268069-C-A.
Other names: c.2754G>T, p.Gln918His (NM_001008701.3); short protein forms Q913H, Q918H.
Identifiers: ClinVar variation 3339124 (VCV003339124.1).

ClinVar aggregate classification (germline): Uncertain significance (1 of 4 stars; one submission).

Submission:

Women's Health and Genetics/Laboratory Corporation of America, LabCorp
Classification: Uncertain significance. Last evaluated: 2024-07-05. Review status: criteria provided, single submitter. Criteria: LabCorp Variant Classification Summary - May 2015. Collection method: clinical testing. Allele origin: germline.
Comment: Variant summary: ADGRL1 c.2754G>T (p.Gln918His) results in a non-conservative amino acid change in the encoded protein sequence. Three of five in-silico tools predict a benign effect of the variant on protein function. The variant was absent in 251202 control chromosomes (gnomAD). The available data on variant occurrences in the general population are insufficient to allow any conclusion about variant significance. To our knowledge, no occurrence of c.2754G>T in individuals affected with Developmental Delay, Behavioral Abnormalities, And Neuropsychiatric Disorders and no experimental evidence demonstrating its impact on protein function have been reported. No submitters have cited clinical-significance assessments for this variant to ClinVar. Based on the evidence outlined above, the variant was classified as uncertain significance.